The following is an entry in ClinVar:

NM_000489.6(ATRX):c.1169G>A (p.Arg390His)

Gene: ATRX (ATRX chromatin remodeler; minus strand). Cytogenetic location: Xq21.1.
Variant type: single nucleotide variant.
Coding change: c.1169G>A on transcript NM_000489.6 (MANE Select); coding-DNA position 1169, G replaced by A.
Protein change: p.Arg390His; replaces arginine 390 with histidine.
Molecular consequence: missense variant.
Genome position (GRCh38, 1-based): chrX:77,684,087, C>T on the plus strand (G>A on the coding strand, the complement: ATRX is on the minus strand). VCF-style: chrX-77684087-C-T. GRCh37 (hg19) VCF-style: chrX-76939579-C-T.
Other names: c.1055G>A, p.Arg352His (NM_138270.5); short protein forms R390H, R352H.
Identifiers: ClinVar variation 133656 (VCV000133656.11), dbSNP rs367986587, ClinGen allele CA157234.
Genomic context (GRCh38, chrX:77,684,087, plus strand): 5'-TCCAATGCAAGATGAGCCTTCTTAATATCAGCCAACACAGACTTAAAAGCCTTAAGCTGA[C>T]GTAATTTTGTAGCAGAACTGATTTCTGAATTATCTGTTGCCTGCTTTAAAAATTTAACAT-3'
Protein context (NP_000480.3, residues 380-400): NSEISSATKL[Arg390His]QLKAFKSVLA

ClinVar aggregate classification (germline): Likely benign. Review status: criteria provided, multiple submitters, no conflicts (2 of 4 stars). 4 submissions from 4 submitters: Likely benign (2). 2 of the submissions do not count toward it. Last evaluated 2024-04-25.

Conditions:
Alpha thalassemia-X-linked intellectual disability syndrome (ATRX). Also called: X-linked alpha-thalassemia-mental retardation syndrome; ALPHA-THALASSEMIA/MENTAL RETARDATION SYNDROME, X-LINKED; ATR, NONDELETION TYPE; ATR-X syndrome; Alpha thalassemia mental retardation syndrome, nondeletion type, X-linked; XLMR hypotonic face syndrome. Identifiers: Orphanet 847, MedGen C1845055, MONDO:0010519, OMIM 301040.

Allele frequency attached by ClinVar (database versions not stated): ExAC 0.00003; TOPMed 0.00003; gnomAD exomes 0.00004; gnomAD 0.00005; ESP Exome Variant Server 0.00009.
gnomAD v4.1: 50 of 1,207,004 alleles (0.0041%); highest among the groups gnomAD compares: South Asian, 0.018%; no homozygotes.

Submissions (4):

Labcorp Genetics (formerly Invitae), Labcorp
Classification: Likely benign for Alpha thalassemia-X-linked intellectual disability syndrome. Last evaluated: 2024-04-25. Review status: criteria provided, single submitter. Criteria: Invitae Variant Classification Sherloc (09022015). Collection method: clinical testing. Allele origin: germline.

GeneDx
Classification: Likely benign. Last evaluated: 2020-12-16. Review status: criteria provided, single submitter. Criteria: GeneDx Variant Classification Process June 2021. Collection method: clinical testing. Allele origin: germline. Affected: yes.

Natera, Inc.
Classification: Uncertain significance for X-linked alpha-thalassemia-mental retardation syndrome. Last evaluated: 2020-09-16. Review status: no assertion criteria provided. Collection method: clinical testing. Allele origin: germline. Not counted in ClinVar's aggregate classification.

ITMI
No classification provided. Condition: AllHighlyPenetrant. Last evaluated: 2013-09-19. Review status: no classification provided. Collection method: reference population. Allele origin: germline. Not counted in ClinVar's aggregate classification.
Comment: Please see associated publication for description of ethnicities

Literature cited by the submitters: PubMed 24728327 (cited by ITMI).